The following is an entry in ClinVar:

NM_024818.6(UBA5):c.10T>C (p.Ser4Pro)

Genes: NPHP3-ACAD11 (NPHP3-ACAD11 readthrough (NMD candidate); minus strand), UBA5 (ubiquitin like modifier activating enzyme 5; plus strand). Cytogenetic location: 3q22.1.
Variant type: single nucleotide variant.
Coding change: c.10T>C on transcript NM_024818.6 (MANE Select); coding-DNA position 10, T replaced by C.
Protein change: p.Ser4Pro; replaces serine 4 with proline.
Molecular consequence: missense variant. On other transcripts: 5 prime UTR variant (3), intron variant (1).
Genome position (GRCh38, 1-based): chr3:132,660,547, T>C. VCF-style: chr3-132660547-T-C. GRCh37 (hg19) VCF-style: chr3-132379391-T-C.
Other names: c.-509T>C (NM_001320210.2); c.-475T>C (NM_001321238.2); c.-191T>C (NM_001321239.1); c.-7-5276T>C (NM_198329.4); c.10T>C (NM_024818.3); short protein forms S4P.
Identifiers: ClinVar variation 1404240 (VCV001404240.4), dbSNP rs1295368564, ClinGen allele CA354572039.
Genomic context (GRCh38, chr3:132,660,547, plus strand): 5'-AGGCGGCGGCGAAGGCCCGGGCTGGGAGCGTTGGCGGCCGGAGTCCCAGCCATGGCGGAG[T>C]CTGTGGAGCGCCTGCAGCAGCGGGTCCAGGAGCTGGAGCGGGAACTTGCCCAGGAGAGGA-3'
Protein context (NP_079094.1, residues 1-14): MAE[Ser4Pro]VERLQQRVQE

ClinVar aggregate classification (germline): Uncertain significance. Review status: criteria provided, multiple submitters, no conflicts (2 of 4 stars). 2 submissions from 2 submitters: Uncertain significance (2). Last evaluated 2024-07-27.

Conditions:
Inborn genetic diseases. Identifiers: MedGen C0950123, MeSH D030342.

Allele frequency attached by ClinVar (database versions not stated): gnomAD exomes 0.00001 and 0.00003; gnomAD 0.00005 and 0.00006; TOPMed 0.00006.
gnomAD v4.1: 25 of 1,548,206 alleles (0.0016%); highest among the groups gnomAD compares: Non-Finnish European, 0.0021%; no homozygotes.

Submissions (2):

Ambry Genetics
Classification: Uncertain significance for Inborn genetic diseases. Last evaluated: 2024-07-27. Review status: criteria provided, single submitter. Criteria: Ambry Variant Classification Scheme 2023. Collection method: clinical testing. Allele origin: germline.

Labcorp Genetics (formerly Invitae), Labcorp
Classification: Uncertain significance. Last evaluated: 2022-07-05. Review status: criteria provided, single submitter. Criteria: Invitae Variant Classification Sherloc (09022015). Collection method: clinical testing. Allele origin: germline.
Comment: This sequence change replaces serine, which is neutral and polar, with proline, which is neutral and non-polar, at codon 4 of the UBA5 protein (p.Ser4Pro). This variant is present in population databases (no rsID available, gnomAD 0.01%). This variant has not been reported in the literature in individuals affected with UBA5-related conditions. ClinVar contains an entry for this variant (Variation ID: 1404240). Algorithms developed to predict the effect of missense changes on protein structure and function are either unavailable or do not agree on the potential impact of this missense change (SIFT: "Not Available"; PolyPhen-2: "Benign"; Align-GVGD: "Not Available"). In summary, the available evidence is currently insufficient to determine the role of this variant in disease. Therefore, it has been classified as a Variant of Uncertain Significance.